The following is an entry in ClinVar:

NM_001267550.2(TTN):c.44815+2dup

Gene: TTN (titin; minus strand). Cytogenetic location: 2q31.2.
Variant type: Duplication.
Coding change: c.44815+2dup on transcript NM_001267550.2 (MANE Select); the canonical splice donor site of the intron after coding-DNA position 44815, one base duplicated (T; older notation c.44815+2dupT).
Molecular consequence: splice donor variant.
Genome position (GRCh38, 1-based): chr2:178,624,463, A duplicated on the plus strand (T on the coding strand, the reverse complement: TTN is on the minus strand). VCF-style (leftmost placement, unchanged base first): chr2-178624462-T-TA. GRCh37 (hg19) VCF-style: chr2-179489189-T-TA.
Other names: c.17620+2dup (NM_003319.4); c.18196+2dup (NM_133437.4); c.17995+2dup (NM_133432.3); c.39892+2dup (NM_001256850.1); c.37111+2dup (NM_133378.4).
Identifiers: ClinVar variation 191964 (VCV000191964.2), dbSNP rs786205392, ClinGen allele CA237979.

ClinVar aggregate classification (germline): Uncertain significance. Review status: criteria provided, multiple submitters, no conflicts (2 of 4 stars). 2 submissions from 2 submitters: Uncertain significance (2). Last evaluated 2023-04-21.

Conditions:
TTN-related myopathy. Identifiers: MedGen CN294812, MONDO:0100175.

Allele frequency attached by ClinVar (database versions not stated): gnomAD exomes below 0.00001.

Submissions (2):

Department of Pathology and Laboratory Medicine, Sinai Health System
Classification: Uncertain significance for TTN-related myopathy. Last evaluated: 2023-04-21. Review status: criteria provided, single submitter. Criteria: ACMG Guidelines, 2015. Collection method: research. Allele origin: germline.

Biesecker Lab/Clinical Genomics Section, National Institutes of Health
Classification: Uncertain significance. Last evaluated: 2013-06-24. Review status: criteria provided, single submitter. Criteria: Ng et al. (Circ Cardiovasc Genet. 2013). Collection method: research. Allele origin: unknown. Observed: 1 variant allele. Study: ClinSeq.
Comment: The study set was not selected for affection status in relation to any cancer. Pathogenicity categories were based on literature curation. See Pubmed ID:23861362 for details.

Medical sequencing